The following is an entry in ClinVar:

NM_012193.4(FZD4):c.325A>G (p.Lys109Glu)

Genes: FZD4 (frizzled class receptor 4; minus strand), PRSS23 (serine protease 23; plus strand). Cytogenetic location: 11q14.2.
Variant type: single nucleotide variant.
Coding change: c.325A>G on transcript NM_012193.4 (MANE Select); coding-DNA position 325, A replaced by G.
Protein change: p.Lys109Glu; replaces lysine 109 with glutamic acid.
Molecular consequence: missense variant. On other transcripts: non-coding transcript variant (2).
Genome position (GRCh38, 1-based): chr11:86,952,431, T>C on the plus strand (A>G on the coding strand, the complement: FZD4 is on the minus strand). VCF-style: chr11-86952431-T-C. GRCh37 (hg19) VCF-style: chr11-86663473-T-C.
Other names: short protein forms K109E.
Identifiers: ClinVar variation 1469266 (VCV001469266.6), dbSNP rs2135041983, ClinGen allele CA382017270.
Genomic context (GRCh38, chr11:86,952,431, plus strand): 5'-CACAGCGTCTCTTGACTGAAAGACACATGCCGCCGCATGGGCCAATGGGGATGTTGATCT[T>C]CTCTGTGCACATTGGCACATAAACAGAACAAAGGAAGAACTGGAAAAGTAACAAAATGAA-3'
Protein context (NP_036325.2, residues 99-119): CSVYVPMCTE[Lys109Glu]INIPIGPCGG

ClinVar aggregate classification (germline): Uncertain significance (1 of 4 stars; one submission).

Submission:

Labcorp Genetics (formerly Invitae), Labcorp
Classification: Uncertain significance. Last evaluated: 2021-08-16. Review status: criteria provided, single submitter. Criteria: Invitae Variant Classification Sherloc (09022015). Collection method: clinical testing. Allele origin: germline.
Comment: This sequence change replaces lysine with glutamic acid at codon 109 of the FZD4 protein (p.Lys109Glu). The lysine residue is highly conserved and there is a small physicochemical difference between lysine and glutamic acid. This variant is not present in population databases (ExAC no frequency). This variant has not been reported in the literature in individuals affected with FZD4-related conditions. Algorithms developed to predict the effect of missense changes on protein structure and function (SIFT, PolyPhen-2, Align-GVGD) all suggest that this variant is likely to be disruptive. In summary, the available evidence is currently insufficient to determine the role of this variant in disease. Therefore, it has been classified as a Variant of Uncertain Significance.